The following is an entry in ClinVar:

NM_182919.4(TICAM1):c.273T>G (p.Asp91Glu)

Gene: TICAM1 (TIR domain containing adaptor molecule 1; minus strand). Cytogenetic location: 19p13.3.
Variant type: single nucleotide variant.
Coding change: c.273T>G on transcript NM_182919.4 (MANE Select); coding-DNA position 273, T replaced by G.
Protein change: p.Asp91Glu; replaces aspartic acid 91 with glutamic acid.
Molecular consequence: missense variant.
Genome position (GRCh38, 1-based): chr19:4,818,105, A>C on the plus strand (T>G on the coding strand, the complement: TICAM1 is on the minus strand). VCF-style: chr19-4818105-A-C. GRCh37 (hg19) VCF-style: chr19-4818117-A-C.
Other names: short protein forms D91E.
Identifiers: ClinVar variation 966315 (VCV000966315.1), dbSNP rs2093590771, ClinGen allele CA403493067.

ClinVar aggregate classification (germline): Uncertain significance (1 of 4 stars; one submission).

Conditions:
Encephalopathy, acute, infection-induced (herpes-specific), susceptibility to, 6. Also called: Herpes simplex encephalitis, susceptibility to, 4. Identifiers: Orphanet 1930, MedGen C3553869, MONDO:0013921, OMIM 614850.

Submission:

Labcorp Genetics (formerly Invitae), Labcorp
Classification: Uncertain significance for Herpes simplex encephalitis, susceptibility to, 4. Last evaluated: 2019-10-19. Review status: criteria provided, single submitter. Criteria: Invitae Variant Classification Sherloc (09022015). Collection method: clinical testing. Allele origin: germline.
Comment: This sequence change replaces aspartic acid with glutamic acid at codon 91 of the TICAM1 protein (p.Asp91Glu). The aspartic acid residue is moderately conserved and there is a small physicochemical difference between aspartic acid and glutamic acid. This variant is not present in population databases (ExAC no frequency). This variant has not been reported in the literature in individuals with TICAM1-related conditions. Algorithms developed to predict the effect of missense changes on protein structure and function output the following: SIFT: "Tolerated"; PolyPhen-2: "Benign"; Align-GVGD: "Class C0". The glutamic acid amino acid residue is found in multiple mammalian species, suggesting that this missense change does not adversely affect protein function. These predictions have not been confirmed by published functional studies and their clinical significance is uncertain. In summary, the available evidence is currently insufficient to determine the role of this variant in disease. Therefore, it has been classified as a Variant of Uncertain Significance.